The following is an entry in ClinVar:

ClinVar aggregate classification (germline): Benign. Review status: criteria provided, multiple submitters, no conflicts (2 of 4 stars). 2 submissions from 2 submitters: Benign (2). Last evaluated 2026-01-21.

Allele frequency attached by ClinVar (database versions not stated): ESP Exome Variant Server 0.01322; 1000 Genomes Project 0.01378; 1000 Genomes Project 30x 0.01452.
gnomAD v4.1: 3,301 of 1,613,962 alleles (0.2%); highest among the groups gnomAD compares: African/African-American, 3.7%; 53 homozygotes.

Submissions (2):

Labcorp Genetics (formerly Invitae), Labcorp
Classification: Benign. Last evaluated: 2026-01-21. Review status: criteria provided, single submitter. Criteria: Invitae Variant Classification Sherloc (09022015). Collection method: clinical testing. Allele origin: germline.

Mayo Clinic Laboratories, Mayo Clinic
Classification: Benign. Last evaluated: 2024-01-25. Review status: criteria provided, single submitter. Criteria: ACMG Guidelines, 2015. Collection method: clinical testing. Allele origin: germline. Observed: 10 variant alleles.
Comment: BS1, BS2, BP4, BP5

NM_001025356.3(ANO6):c.405G>A (p.Thr135=)

Gene: ANO6 (anoctamin 6; plus strand). Cytogenetic location: 12q12.
Variant type: single nucleotide variant.
Coding change: c.405G>A on transcript NM_001025356.3 (MANE Select); coding-DNA position 405, G replaced by A.
Protein change: p.Thr135=; no amino-acid change (threonine 135 retained).
Molecular consequence: synonymous variant.
Genome position (GRCh38, 1-based): chr12:45,348,087, G>A. VCF-style: chr12-45348087-G-A. GRCh37 (hg19) VCF-style: chr12-45741870-G-A.
Other names: p.Thr135=; c.351G>A, p.Thr117= (NM_001142678.2); c.405G>A, p.Thr135= (NM_001142679.2); c.468G>A, p.Thr156= (NM_001204803.2); c.372G>A, p.Thr124= (NM_001410973.1).
Identifiers: ClinVar variation 2041457 (VCV002041457.5), dbSNP rs76963647, ClinGen allele CA6524996.
Genomic context (GRCh38, chr12:45,348,087, plus strand): 5'-GGTATTGGATGACAAGCTTGTATTTGTAAAAGTACACGCACCATGGGAGGTGTTATGTAC[G>A]TATGCTGAGATAATGCACATCAAATTGCCTCTGAAACCCAATGATCTGAAAAACCGGTCC-3'
Protein context (NP_001020527.2, residues 125-145): KVHAPWEVLC[Thr135=]YAEIMHIKLP